The following is an entry in ClinVar:

NM_001267550.2(TTN):c.91433A>T (p.Glu30478Val)

Genes: TTN (titin; minus strand), TTN-AS1 (TTN antisense RNA 1; plus strand). Cytogenetic location: 2q31.2.
Variant type: single nucleotide variant.
Coding change: c.91433A>T on transcript NM_001267550.2 (MANE Select); coding-DNA position 91433, A replaced by T.
Protein change: p.Glu30478Val; replaces glutamic acid 30478 with valine.
Molecular consequence: missense variant.
Genome position (GRCh38, 1-based): chr2:178,551,098, T>A on the plus strand (A>T on the coding strand, the complement: TTN is on the minus strand). VCF-style: chr2-178551098-T-A. GRCh37 (hg19) VCF-style: chr2-179415825-T-A.
Other names: p.E28837V:GAA>GTA; c.86510A>T, p.Glu28837Val (NM_001256850.1); c.64238A>T, p.Glu21413Val (NM_003319.4); c.83729A>T, p.Glu27910Val (NM_133378.4); c.64613A>T, p.Glu21538Val (NM_133432.3); c.64814A>T, p.Glu21605Val (NM_133437.4); short protein forms E28837V, E30478V, E21413V, E21538V, E21605V, E27910V.
Identifiers: ClinVar variation 202983 (VCV000202983.5), dbSNP rs794729531, ClinGen allele CA310887.
Genomic context (GRCh38, chr2:178,551,098, plus strand): 5'-GCAATTATTCTGAACTCATAGCGATCCCCAGGACTGAGTCCTGTAACTGTGTACTGACAT[T>A]CACTGACGTCAGTAAAGTTGCATCTCACCCAGCGTTCATTTCCTTGCCGTTTCTCAATGC-3'
Protein context (NP_001254479.2, residues 30468-30488): WVRCNFTDVS[Glu30478Val]CQYTVTGLSP

ClinVar aggregate classification (germline): Uncertain significance (1 of 4 stars; one submission).

Allele frequency attached by ClinVar (database versions not stated): gnomAD exomes 0.00002 and 0.00001; gnomAD 0.00001; TOPMed 0.00001.
gnomAD v4.1: 8 of 1,613,350 alleles (0.0005%); highest among the groups gnomAD compares: Admixed American, 0.013%; no homozygotes.

Submission:

GeneDx
Classification: Uncertain significance. Last evaluated: 2019-10-15. Review status: criteria provided, single submitter. Criteria: GeneDx Variant Classification Process June 2021. Collection method: clinical testing. Allele origin: germline. Affected: yes.
Comment: Not observed at a significant frequency in large population cohorts (Lek et al., 2016); Missense variant in a gene in which most reported pathogenic variants are truncating/loss-of-function; Has not been previously published as pathogenic or benign to our knowledge; In silico analysis, which includes splice predictors and evolutionary conservation, suggests this variant may impact gene splicing. In the absence of RNA/functional studies, the actual effect of this sequence change is unknown.